The following is an entry in ClinVar:

NM_001291303.3(FAT4):c.1827C>A (p.Asp609Glu)

Gene: FAT4 (FAT atypical cadherin 4; plus strand). Cytogenetic location: 4q28.1.
Variant type: single nucleotide variant.
Coding change: c.1827C>A on transcript NM_001291303.3 (MANE Select); coding-DNA position 1827, C replaced by A.
Protein change: p.Asp609Glu; replaces aspartic acid 609 with glutamic acid.
Molecular consequence: missense variant.
Genome position (GRCh38, 1-based): chr4:125,318,238, C>A. VCF-style: chr4-125318238-C-A. GRCh37 (hg19) VCF-style: chr4-126239393-C-A.
Other names: c.1827C>A, p.Asp609Glu (NM_001291285.3, NM_024582.6); c.1827C>A (NM_024582.5); short protein forms D609E.
Identifiers: ClinVar variation 1005373 (VCV001005373.13), dbSNP rs370300509, ClinGen allele CA3072057.

ClinVar aggregate classification (germline): Uncertain significance. Review status: criteria provided, multiple submitters, no conflicts (2 of 4 stars). 5 submissions from 5 submitters: Uncertain significance (5). Last evaluated 2025-06-11.

Conditions:
Hennekam lymphangiectasia-lymphedema syndrome 2 (HKLLS2). Identifiers: Orphanet 2136, MedGen C4014939, MONDO:0014454, OMIM 616006.
Van Maldergem syndrome 2 (VMLDS2). Identifiers: Orphanet 314679, MedGen C3809875, MONDO:0014242, OMIM 615546.
Inborn genetic diseases. Identifiers: MedGen C0950123, MeSH D030342.

Allele frequency attached by ClinVar (database versions not stated): TOPMed 0.00032; ESP Exome Variant Server 0.00008; 1000 Genomes Project 30x 0.00031; 1000 Genomes Project 0.00040.
gnomAD v4.1: 76 of 1,614,190 alleles (0.0047%); highest among the groups gnomAD compares: African/African-American, 0.087%; no homozygotes.

Submissions (5):

Labcorp Genetics (formerly Invitae), Labcorp
Classification: Uncertain significance. Last evaluated: 2025-06-11. Review status: criteria provided, single submitter. Criteria: Invitae Variant Classification Sherloc (09022015). Collection method: clinical testing. Allele origin: germline.
Comment: This sequence change replaces aspartic acid, which is acidic and polar, with glutamic acid, which is acidic and polar, at codon 609 of the FAT4 protein (p.Asp609Glu). This variant is present in population databases (rs370300509, gnomAD 0.09%). This variant has not been reported in the literature in individuals affected with FAT4-related conditions. ClinVar contains an entry for this variant (Variation ID: 1005373). Invitae Evidence Modeling of protein sequence and biophysical properties (such as structural, functional, and spatial information, amino acid conservation, physicochemical variation, residue mobility, and thermodynamic stability) indicates that this missense variant is not expected to disrupt FAT4 protein function with a negative predictive value of 80%. In summary, the available evidence is currently insufficient to determine the role of this variant in disease. Therefore, it has been classified as a Variant of Uncertain Significance.

GeneDx
Classification: Uncertain significance. Last evaluated: 2025-02-12. Review status: criteria provided, single submitter. Criteria: GeneDx Variant Classification Process June 2021. Collection method: clinical testing. Allele origin: germline. Affected: yes.
Comment: In silico analysis supports that this missense variant has a deleterious effect on protein structure/function; Has not been previously published as pathogenic or benign to our knowledge

Fulgent Genetics
Classification: Uncertain significance for Van Maldergem syndrome 2; Hennekam lymphangiectasia-lymphedema syndrome 2. Last evaluated: 2024-06-24. Review status: criteria provided, single submitter. Criteria: ACMG Guidelines, 2015. Collection method: clinical testing. Allele origin: germline.

Blueprint Genetics
Classification: Uncertain significance. Last evaluated: 2024-06-10. Review status: criteria provided, single submitter. Criteria: ACMG Guidelines, 2015. Collection method: clinical testing. Allele origin: germline.

Ambry Genetics
Classification: Uncertain significance for Inborn genetic diseases. Last evaluated: 2021-06-11. Review status: criteria provided, single submitter. Criteria: Ambry Variant Classification Scheme 2023. Collection method: clinical testing. Allele origin: germline.